The following is an entry in ClinVar:

NM_004360.5(CDH1):c.620T>C (p.Ile207Thr)

Gene: CDH1 (cadherin 1; plus strand). Cytogenetic location: 16q22.1.
Variant type: single nucleotide variant.
Coding change: c.620T>C on transcript NM_004360.5 (MANE Select); coding-DNA position 620, T replaced by C.
Protein change: p.Ile207Thr; replaces isoleucine 207 with threonine.
Molecular consequence: missense variant. On other transcripts: 5 prime UTR variant (2).
Genome position (GRCh38, 1-based): chr16:68,808,781, T>C. VCF-style: chr16-68808781-T-C. GRCh37 (hg19) VCF-style: chr16-68842684-T-C.
Other names: c.620T>C, p.Ile207Thr (NM_001317184.2); c.-996T>C (NM_001317185.2); c.-1200T>C (NM_001317186.2); short protein forms I207T.
Identifiers: ClinVar variation 629918 (VCV000629918.18), dbSNP rs778570149, ClinGen allele CA8129900.

ClinVar aggregate classification (germline): Uncertain significance. Review status: criteria provided, multiple submitters, no conflicts (2 of 4 stars). 4 submissions from 4 submitters: Uncertain significance (4). Last evaluated 2026-01-06.

Conditions:
Familial cancer of breast. Also called: BREAST CANCER, FAMILIAL; Hereditary breast cancer; hereditary breast carcinoma. Identifiers: Orphanet 227535, MedGen C0346153, MONDO:0016419, OMIM 114480. Disease mechanism: loss of function.
Hereditary diffuse gastric adenocarcinoma (HDGC). Also called: DIFFUSE GASTRIC AND LOBULAR BREAST CANCER SYNDROME. Identifiers: Orphanet 26106, MedGen C1708349, MONDO:0007648, OMIM 137215.
Hereditary cancer-predisposing syndrome. Also called: Tumor predisposition; Neoplastic Syndromes, Hereditary; Hereditary Cancer Syndrome; Hereditary neoplastic syndrome. Identifiers: Orphanet 140162, MedGen C0027672, MeSH D009386, MONDO:0015356.

Allele frequency attached by ClinVar (database versions not stated): gnomAD exomes below 0.00001; ExAC 0.00001; gnomAD 0.00001; TOPMed 0.00001.
gnomAD v4.1: 2 of 1,614,018 alleles (0.00012%); highest among the groups gnomAD compares: African/African-American, 0.0013%; no homozygotes.

Submissions (4):

Labcorp Genetics (formerly Invitae), Labcorp
Classification: Uncertain significance for Hereditary diffuse gastric adenocarcinoma. Last evaluated: 2026-01-06. Review status: criteria provided, single submitter. Criteria: Invitae Variant Classification Sherloc (09022015). Collection method: clinical testing. Allele origin: germline.
Comment: This sequence change replaces isoleucine, which is neutral and non-polar, with threonine, which is neutral and polar, at codon 207 of the CDH1 protein (p.Ile207Thr). This variant is present in population databases (rs778570149, gnomAD 0.007%). This variant has not been reported in the literature in individuals affected with CDH1-related conditions. ClinVar contains an entry for this variant (Variation ID: 629918). An algorithm developed to predict the effect of missense changes on protein structure and function (PolyPhen-2) suggests that this variant is likely to be disruptive. In summary, the available evidence is currently insufficient to determine the role of this variant in disease. Therefore, it has been classified as a Variant of Uncertain Significance.

Color Diagnostics, LLC DBA Color Health
Classification: Uncertain significance for Hereditary cancer-predisposing syndrome. Last evaluated: 2023-12-05. Review status: criteria provided, single submitter. Criteria: ACMG Guidelines, 2015. Collection method: clinical testing. Allele origin: germline.
Comment: This missense variant replaces isoleucine with threonine at codon 207 of the CDH1 protein. To our knowledge, functional studies have not been reported for this variant. This variant has not been reported in individuals affected with CDH1-related disorders in the literature. This variant has been identified in 1/251170 chromosomes in the general population by the Genome Aggregation Database (gnomAD). The available evidence is insufficient to determine the role of this variant in disease conclusively. Therefore, this variant is classified as a Variant of Uncertain Significance.

Ambry Genetics
Classification: Uncertain significance for Hereditary cancer-predisposing syndrome. Last evaluated: 2023-09-27. Review status: criteria provided, single submitter. Criteria: Ambry Variant Classification Scheme 2023. Collection method: clinical testing. Allele origin: germline.
Comment: The p.I207T variant (also known as c.620T>C), located in coding exon 5 of the CDH1 gene, results from a T to C substitution at nucleotide position 620. The isoleucine at codon 207 is replaced by threonine, an amino acid with similar properties. This amino acid position is well conserved in available vertebrate species. In addition, this alteration is predicted to be deleterious by in silico analysis. Since supporting evidence is limited at this time, the clinical significance of this alteration remains unclear.

Baylor Genetics
Classification: Uncertain significance for Familial cancer of breast. Last evaluated: 2023-09-26. Review status: criteria provided, single submitter. Criteria: ACMG Guidelines, 2015. Collection method: clinical testing. Allele origin: unknown.